The following is an entry in ClinVar:

NM_000891.3(KCNJ2):c.659G>A (p.Ser220Asn)

Gene: KCNJ2 (potassium inwardly rectifying channel subfamily J member 2; plus strand). Cytogenetic location: 17q24.3.
Variant type: single nucleotide variant.
Coding change: c.659G>A on transcript NM_000891.3 (MANE Select); coding-DNA position 659, G replaced by A.
Protein change: p.Ser220Asn; replaces serine 220 with asparagine.
Molecular consequence: missense variant.
Genome position (GRCh38, 1-based): chr17:70,175,698, G>A. VCF-style: chr17-70175698-G-A. GRCh37 (hg19) VCF-style: chr17-68171839-G-A.
Other names: short protein forms S220N.
Identifiers: ClinVar variation 1004911 (VCV001004911.11), dbSNP rs2074388522, ClinGen allele CA400861501.

ClinVar aggregate classification (germline): Uncertain significance. Review status: criteria provided, multiple submitters, no conflicts (2 of 4 stars). 3 submissions from 3 submitters: Uncertain significance (3). Last evaluated 2023-07-25.

Conditions:
Andersen Tawil syndrome (LQT7). Also called: Potassium-sensitive periodic paralysis, ventricular ectopy, and dysmorphic features; LONG QT SYNDROME 7; ANDERSEN CARDIODYSRHYTHMIC PERIODIC PARALYSIS; PERIODIC PARALYSIS, POTASSIUM-SENSITIVE CARDIODYSRHYTHMIC TYPE; Andersen Syndrome. Identifiers: Orphanet 37553, MedGen C1563715, MONDO:0008222, OMIM 170390.
Short QT syndrome type 3. Identifiers: Orphanet 51083, MedGen C1865018, MONDO:0012314, OMIM 609622.

Submissions (3):

Labcorp Genetics (formerly Invitae), Labcorp
Classification: Uncertain significance for Short QT syndrome type 3; Andersen Tawil syndrome. Last evaluated: 2023-07-25. Review status: criteria provided, single submitter. Criteria: Invitae Variant Classification Sherloc (09022015). Collection method: clinical testing. Allele origin: germline.
Comment: In summary, the available evidence is currently insufficient to determine the role of this variant in disease. Therefore, it has been classified as a Variant of Uncertain Significance. Advanced modeling of protein sequence and biophysical properties (such as structural, functional, and spatial information, amino acid conservation, physicochemical variation, residue mobility, and thermodynamic stability) performed at Invitae indicates that this missense variant is not expected to disrupt KCNJ2 protein function. ClinVar contains an entry for this variant (Variation ID: 1004911). This variant has not been reported in the literature in individuals affected with KCNJ2-related conditions. This variant is not present in population databases (gnomAD no frequency). This sequence change replaces serine, which is neutral and polar, with asparagine, which is neutral and polar, at codon 220 of the KCNJ2 protein (p.Ser220Asn).

GeneDx
Classification: Uncertain significance. Last evaluated: 2022-03-14. Review status: criteria provided, single submitter. Criteria: GeneDx Variant Classification Process June 2021. Collection method: clinical testing. Allele origin: germline. Affected: yes.
Comment: Has not been previously published as pathogenic or benign to our knowledge; Not observed at significant frequency in large population cohorts (gnomAD); In silico analysis supports that this missense variant has a deleterious effect on protein structure/function

Blueprint Genetics
Classification: Uncertain significance. Last evaluated: 2018-08-23. Review status: criteria provided, single submitter. Criteria: ACMG Guidelines, 2015. Collection method: clinical testing. Allele origin: germline.